The following is an entry in ClinVar:

ClinVar aggregate classification (germline): Uncertain significance (1 of 4 stars; one submission).

Conditions:
Juvenile polyposis syndrome (JPS). Identifiers: Orphanet 2929, MedGen C0345893, MONDO:0017380, OMIM 174900.

Submission:

Labcorp Genetics (formerly Invitae), Labcorp
Classification: Uncertain significance for Juvenile polyposis syndrome. Last evaluated: 2024-02-11. Review status: criteria provided, single submitter. Criteria: Invitae Variant Classification Sherloc (09022015). Collection method: clinical testing. Allele origin: germline.
Comment: This sequence change replaces valine, which is neutral and non-polar, with isoleucine, which is neutral and non-polar, at codon 461 of the BMPR1A protein (p.Val461Ile). This variant is not present in population databases (gnomAD no frequency). This variant has not been reported in the literature in individuals affected with BMPR1A-related conditions. Advanced modeling of protein sequence and biophysical properties (such as structural, functional, and spatial information, amino acid conservation, physicochemical variation, residue mobility, and thermodynamic stability) has been performed at Invitae for this missense variant, however the output from this modeling did not meet the statistical confidence thresholds required to predict the impact of this variant on BMPR1A protein function. In summary, the available evidence is currently insufficient to determine the role of this variant in disease. Therefore, it has been classified as a Variant of Uncertain Significance.

NM_004329.3(BMPR1A):c.1381G>A (p.Val461Ile)

Gene: BMPR1A (bone morphogenetic protein receptor type 1A; plus strand). Cytogenetic location: 10q23.2.
Variant type: single nucleotide variant.
Coding change: c.1381G>A on transcript NM_004329.3 (MANE Select); coding-DNA position 1381, G replaced by A.
Protein change: p.Val461Ile; replaces valine 461 with isoleucine.
Molecular consequence: missense variant. On other transcripts: non-coding transcript variant (3).
Genome position (GRCh38, 1-based): chr10:86,923,414, G>A. VCF-style: chr10-86923414-G-A. GRCh37 (hg19) VCF-style: chr10-88683171-G-A.
Other names: c.1456G>A, p.Val486Ile (NM_001406559.1); c.1429G>A, p.Val477Ile (NM_001406560.1); c.1381G>A, p.Val461Ile (NM_001406561.1, NM_001406562.1, NM_001406563.1 and 19 more transcripts); c.1375G>A, p.Val459Ile (NM_001406583.1); c.1297G>A, p.Val433Ile (NM_001406584.1, NM_001406585.1, NM_001406586.1 and 2 more transcripts); c.1039G>A, p.Val347Ile (NM_001406589.1); short protein forms V347I, V461I, V477I, V486I, V433I, V459I.
Identifiers: ClinVar variation 3711065 (VCV003711065.2).
Genomic context (GRCh38, chr10:86,923,414, plus strand): 5'-ATGTTTTCTCATTCCCTTATAGGGATCGTGGAAGAATACCAATTGCCATATTACAACATG[G>A]TACCGAGTGATCCGTCATACGAAGATATGCGTGAGGTTGTGTGTGTCAAACGTTTGCGGC-3'
Protein context (NP_004320.2, residues 451-471): EEYQLPYYNM[Val461Ile]PSDPSYEDMR